The following is an entry in ClinVar:

NM_020778.5(ALPK3):c.1666C>T (p.Gln556Ter)

Gene: ALPK3 (alpha kinase 3; plus strand). Cytogenetic location: 15q25.3.
Variant type: single nucleotide variant.
Coding change: c.1666C>T on transcript NM_020778.5 (MANE Select); coding-DNA position 1666, C replaced by T.
Protein change: p.Gln556Ter; replaces glutamine 556 with a stop codon.
Molecular consequence: nonsense.
Genome position (GRCh38, 1-based): chr15:84,856,404, C>T. VCF-style: chr15-84856404-C-T. GRCh37 (hg19) VCF-style: chr15-85399635-C-T.
Other names: short protein forms Q556*.
Identifiers: ClinVar variation 4844748 (VCV004844748.1).

ClinVar aggregate classification (germline): Pathogenic (1 of 4 stars; one submission).

Conditions:
Cardiovascular phenotype. Identifiers: MedGen CN230736.

Submission:

Ambry Genetics
Classification: Pathogenic for Cardiovascular phenotype. Last evaluated: 2026-02-06. Review status: criteria provided, single submitter. Criteria: Ambry Variant Classification Scheme 2023. Collection method: clinical testing. Allele origin: germline.
Comment: The p.Q758* pathogenic mutation (also known as c.2272C>T), located in coding exon 6 of the ALPK3 gene, results from a C to T substitution at nucleotide position 2272. This changes the amino acid from a glutamine to a stop codon within coding exon 6. This variant is considered to be rare based on population cohorts in the Genome Aggregation Database (gnomAD). This alteration is expected to result in loss of function by premature protein truncation or nonsense-mediated mRNA decay. As such, this alteration is interpreted as a disease-causing mutation.